The following is an entry in ClinVar:

NM_001165963.4(SCN1A):c.1825T>C (p.Phe609Leu)

Gene: SCN1A (sodium voltage-gated channel alpha subunit 1; minus strand). Cytogenetic location: 2q24.3.
Variant type: single nucleotide variant.
Coding change: c.1825T>C on transcript NM_001165963.4 (MANE Select); coding-DNA position 1825, T replaced by C.
Protein change: p.Phe609Leu; replaces phenylalanine 609 with leucine.
Molecular consequence: missense variant. On other transcripts: 5 prime UTR variant (1), non-coding transcript variant (1).
Genome position (GRCh38, 1-based): chr2:166,043,887, A>G on the plus strand (T>C on the coding strand, the complement: SCN1A is on the minus strand). VCF-style: chr2-166043887-A-G. GRCh37 (hg19) VCF-style: chr2-166900397-A-G.
Other names: c.1825T>C, p.Phe609Leu (NM_001165964.3, NM_001202435.3, NM_001353948.2 and 7 more transcripts); c.1822T>C, p.Phe608Leu (NM_001353954.2, NM_001353955.2, NM_001353960.2); c.-601T>C (NM_001353961.2); short protein forms F609L, F608L.
Identifiers: ClinVar variation 1390422 (VCV001390422.9), dbSNP rs2105843262, ClinGen allele CA349067535.

ClinVar aggregate classification (germline): Uncertain significance (1 of 4 stars; one submission).

Conditions:
Early-infantile DEE. Also called: Early infantile epileptic encephalopathy; Ohtahara syndrome; Early infantile epileptic encephalopathy with suppression bursts. Identifiers: Orphanet 1934, MedGen C0393706, MONDO:0800491.

Submission:

Labcorp Genetics (formerly Invitae), Labcorp
Classification: Uncertain significance for Early-infantile DEE. Last evaluated: 2022-10-17. Review status: criteria provided, single submitter. Criteria: Invitae Variant Classification Sherloc (09022015). Collection method: clinical testing. Allele origin: germline.
Comment: This sequence change replaces phenylalanine, which is neutral and non-polar, with leucine, which is neutral and non-polar, at codon 609 of the SCN1A protein (p.Phe609Leu). This variant is not present in population databases (gnomAD no frequency). This variant has not been reported in the literature in individuals affected with SCN1A-related conditions. ClinVar contains an entry for this variant (Variation ID: 1390422). Advanced modeling of protein sequence and biophysical properties (such as structural, functional, and spatial information, amino acid conservation, physicochemical variation, residue mobility, and thermodynamic stability) performed at Invitae indicates that this missense variant is not expected to disrupt SCN1A protein function. In summary, the available evidence is currently insufficient to determine the role of this variant in disease. Therefore, it has been classified as a Variant of Uncertain Significance.